The following is an entry in ClinVar:

ClinVar aggregate classification (germline): Uncertain significance. Review status: criteria provided, multiple submitters, no conflicts (2 of 4 stars). 4 submissions from 4 submitters: Uncertain significance (3). 1 of the submissions does not count toward it. Last evaluated 2025-02-03.

Conditions:
Hermansky-Pudlak syndrome 1 (HPS1). Also called: DELTA STORAGE POOL DISEASE. Identifiers: Orphanet 231500, Orphanet 79430, MedGen C2931875, MONDO:0008748, OMIM 203300.
Hermansky-Pudlak syndrome (HPS). Also called: ALBINISM WITH HEMORRHAGIC DIATHESIS AND PIGMENTED RETICULOENDOTHELIAL CELLS. Identifiers: Orphanet 79430, MedGen C0079504, MONDO:0019312.

Allele frequency attached by ClinVar (database versions not stated): ExAC 0.00001; gnomAD 0.00001; gnomAD exomes 0.00001 and 0.00002; TOPMed 0.00002; 1000 Genomes Project 30x 0.00016; 1000 Genomes Project 0.00020.
gnomAD v4.1: 14 of 1,613,998 alleles (0.00087%); highest among the groups gnomAD compares: Admixed American, 0.005%; no homozygotes.

Submissions (4):

GeneDx
Classification: Uncertain significance. Last evaluated: 2025-02-03. Review status: criteria provided, single submitter. Criteria: GeneDx Variant Classification Process June 2021. Collection method: clinical testing. Allele origin: germline. Affected: yes.
Comment: In silico analysis supports that this missense variant has a deleterious effect on protein structure/function; Has not been previously published as pathogenic or benign to our knowledge

Fulgent Genetics
Classification: Uncertain significance for Hermansky-Pudlak syndrome 1. Last evaluated: 2024-06-19. Review status: criteria provided, single submitter. Criteria: ACMG Guidelines, 2015. Collection method: clinical testing. Allele origin: germline.

Labcorp Genetics (formerly Invitae), Labcorp
Classification: Uncertain significance. Last evaluated: 2022-09-27. Review status: criteria provided, single submitter. Criteria: Invitae Variant Classification Sherloc (09022015). Collection method: clinical testing. Allele origin: germline.
Comment: This sequence change replaces alanine, which is neutral and non-polar, with valine, which is neutral and non-polar, at codon 556 of the HPS1 protein (p.Ala556Val). This variant is present in population databases (rs200239872, gnomAD 0.01%). This variant has not been reported in the literature in individuals affected with HPS1-related conditions. ClinVar contains an entry for this variant (Variation ID: 990833). Advanced modeling of protein sequence and biophysical properties (such as structural, functional, and spatial information, amino acid conservation, physicochemical variation, residue mobility, and thermodynamic stability) performed at Invitae indicates that this missense variant is expected to disrupt HPS1 protein function. In summary, the available evidence is currently insufficient to determine the role of this variant in disease. Therefore, it has been classified as a Variant of Uncertain Significance.

Natera, Inc.
Classification: Uncertain significance for Hermansky-Pudlak syndrome. Last evaluated: 2020-08-14. Review status: no assertion criteria provided. Collection method: clinical testing. Allele origin: germline. Not counted in ClinVar's aggregate classification.

NM_000195.5(HPS1):c.1667C>T (p.Ala556Val)

Gene: HPS1 (HPS1 biogenesis of lysosomal organelles complex 3 subunit 1; minus strand). Cytogenetic location: 10q24.2.
Variant type: single nucleotide variant.
Coding change: c.1667C>T on transcript NM_000195.5 (MANE Select); coding-DNA position 1667, C replaced by T.
Protein change: p.Ala556Val; replaces alanine 556 with valine.
Molecular consequence: missense variant.
Genome position (GRCh38, 1-based): chr10:98,422,445, G>A on the plus strand (C>T on the coding strand, the complement: HPS1 is on the minus strand). VCF-style: chr10-98422445-G-A. GRCh37 (hg19) VCF-style: chr10-100182202-G-A.
Other names: c.695C>T, p.Ala232Val (NM_001311345.2, NM_001322487.2, NM_001322489.2); c.1667C>T, p.Ala556Val (NM_001322476.2, NM_001322477.2); c.1568C>T, p.Ala523Val (NM_001322478.2, NM_001322479.2); c.1406C>T, p.Ala469Val (NM_001322480.2, NM_001322481.2); c.1307C>T, p.Ala436Val (NM_001322482.2); c.1298C>T, p.Ala433Val (NM_001322483.2, NM_001322484.2); c.1199C>T, p.Ala400Val (NM_001322485.2); c.1667C>T (NM_000195.3); short protein forms A232V, A400V, A433V, A436V, A469V, A523V, A556V.
Identifiers: ClinVar variation 990833 (VCV000990833.5), dbSNP rs200239872, ClinGen allele CA5638929.